The following is an entry in ClinVar:

NM_144499.3(GNAT1):c.716T>C (p.Met239Thr)

Gene: GNAT1 (G protein subunit alpha transducin 1; plus strand). Cytogenetic location: 3p21.31.
Variant type: single nucleotide variant.
Coding change: c.716T>C on transcript NM_144499.3 (MANE Select); coding-DNA position 716, T replaced by C.
Protein change: p.Met239Thr; replaces methionine 239 with threonine.
Molecular consequence: missense variant.
Genome position (GRCh38, 1-based): chr3:50,194,508, T>C. VCF-style: chr3-50194508-T-C. GRCh37 (hg19) VCF-style: chr3-50231941-T-C.
Other names: c.716T>C, p.Met239Thr (NM_000172.4); short protein forms M239T.
Identifiers: ClinVar variation 1486815 (VCV001486815.8), dbSNP rs1348727426, ClinGen allele CA352917594.

ClinVar aggregate classification (germline): Uncertain significance (1 of 4 stars; one submission).

Allele frequency attached by ClinVar (database versions not stated): gnomAD exomes below 0.00001 and 0.00001; TOPMed below 0.00001.

Submission:

Labcorp Genetics (formerly Invitae), Labcorp
Classification: Uncertain significance. Last evaluated: 2022-06-20. Review status: criteria provided, single submitter. Criteria: Invitae Variant Classification Sherloc (09022015). Collection method: clinical testing. Allele origin: germline.
Comment: In summary, the available evidence is currently insufficient to determine the role of this variant in disease. Therefore, it has been classified as a Variant of Uncertain Significance. Algorithms developed to predict the effect of missense changes on protein structure and function are either unavailable or do not agree on the potential impact of this missense change (SIFT: "Deleterious"; PolyPhen-2: "Probably Damaging"; Align-GVGD: "Class C0"). This variant has not been reported in the literature in individuals affected with GNAT1-related conditions. This variant is present in population databases (no rsID available, gnomAD 0.0009%). This sequence change replaces methionine, which is neutral and non-polar, with threonine, which is neutral and polar, at codon 239 of the GNAT1 protein (p.Met239Thr).